The following is an entry in ClinVar:

ClinVar aggregate classification (germline): Uncertain significance (1 of 4 stars; one submission).

Allele frequency attached by ClinVar (database versions not stated): gnomAD exomes below 0.00001.
gnomAD v4.1: 7 of 1,613,780 alleles (0.00043%); highest among the groups gnomAD compares: Non-Finnish European, 0.00051%; no homozygotes.

Submission:

Labcorp Genetics (formerly Invitae), Labcorp
Classification: Uncertain significance. Last evaluated: 2021-08-14. Review status: criteria provided, single submitter. Criteria: Invitae Variant Classification Sherloc (09022015). Collection method: clinical testing. Allele origin: germline.
Comment: This sequence change replaces isoleucine with threonine at codon 1995 of the LRP2 protein (p.Ile1995Thr). The isoleucine residue is weakly conserved and there is a moderate physicochemical difference between isoleucine and threonine. This variant is not present in population databases (ExAC no frequency). This variant has not been reported in the literature in individuals affected with LRP2-related conditions. Advanced modeling of protein sequence and biophysical properties (such as structural, functional, and spatial information, amino acid conservation, physicochemical variation, residue mobility, and thermodynamic stability) performed at Invitae indicates that this missense variant is not expected to disrupt LRP2 protein function. In summary, the available evidence is currently insufficient to determine the role of this variant in disease. Therefore, it has been classified as a Variant of Uncertain Significance.

NM_004525.3(LRP2):c.5984T>C (p.Ile1995Thr)

Gene: LRP2 (LDL receptor related protein 2; minus strand). Cytogenetic location: 2q31.1.
Variant type: single nucleotide variant.
Coding change: c.5984T>C on transcript NM_004525.3 (MANE Select); coding-DNA position 5984, T replaced by C.
Protein change: p.Ile1995Thr; replaces isoleucine 1995 with threonine.
Molecular consequence: missense variant.
Genome position (GRCh38, 1-based): chr2:169,213,713, A>G on the plus strand (T>C on the coding strand, the complement: LRP2 is on the minus strand). VCF-style: chr2-169213713-A-G. GRCh37 (hg19) VCF-style: chr2-170070223-A-G.
Other names: short protein forms I1995T.
Identifiers: ClinVar variation 1510918 (VCV001510918.5), dbSNP rs1688677981, ClinGen allele CA349133539.